The following is an entry in ClinVar:

NM_018255.4(ELP2):c.1917A>G (p.Ser639=)

Gene: ELP2 (elongator acetyltransferase complex subunit 2; plus strand). Cytogenetic location: 18q12.2.
Variant type: single nucleotide variant.
Coding change: c.1917A>G on transcript NM_018255.4 (MANE Select); coding-DNA position 1917, A replaced by G.
Protein change: p.Ser639=; no amino-acid change (serine 639 retained).
Molecular consequence: synonymous variant. On other transcripts: non-coding transcript variant (4).
Genome position (GRCh38, 1-based): chr18:36,164,630, A>G. VCF-style: chr18-36164630-A-G. GRCh37 (hg19) VCF-style: chr18-33744593-A-G.
Other names: c.2112A>G, p.Ser704= (NM_001242875.3); c.1902A>G, p.Ser634= (NM_001242876.3); c.1839A>G, p.Ser613= (NM_001242877.3); c.1707A>G, p.Ser569= (NM_001242878.3, NM_001242879.3); c.1785A>G, p.Ser595= (NM_001324465.2); c.2034A>G, p.Ser678= (NM_001324466.2); c.1767A>G, p.Ser589= (NM_001324467.2); c.1470A>G, p.Ser490= (NM_001324468.2).
Identifiers: ClinVar variation 2571009 (VCV002571009.27), dbSNP rs2511320092, ClinGen allele CA503646121.

ClinVar aggregate classification (germline): Likely benign (1 of 4 stars; one submission).

gnomAD v4.1: 2 of 1,614,118 alleles (0.00012%); highest among the groups gnomAD compares: African/African-American, 0.0013%; no homozygotes.

Submission:

CeGaT Center for Human Genetics Tuebingen
Classification: Likely benign. Last evaluated: 2023-04-01. Review status: criteria provided, single submitter. Criteria: CeGaT Center For Human Genetics Tuebingen Variant Classification Criteria Version 2. Collection method: clinical testing. Allele origin: germline. Affected: yes. Observed: 1 variant allele.
Comment: ELP2: PM2:Supporting, BP4, BP7